The following is an entry in ClinVar:

NM_001374385.1(ATP8B1):c.1216G>A (p.Val406Ile)

Gene: ATP8B1 (ATPase phospholipid transporting 8B1; minus strand). Cytogenetic location: 18q21.31.
Variant type: single nucleotide variant.
Coding change: c.1216G>A on transcript NM_001374385.1 (MANE Select); coding-DNA position 1216, G replaced by A.
Protein change: p.Val406Ile; replaces valine 406 with isoleucine.
Molecular consequence: missense variant.
Genome position (GRCh38, 1-based): chr18:57,691,811, C>T on the plus strand (G>A on the coding strand, the complement: ATP8B1 is on the minus strand). VCF-style: chr18-57691811-C-T. GRCh37 (hg19) VCF-style: chr18-55359043-C-T.
Other names: c.1066G>A, p.Val356Ile (NM_001374386.1); c.1216G>A, p.Val406Ile (NM_005603.6); c.1216G>A (NM_005603.4); short protein forms V406I, V356I.
Identifiers: ClinVar variation 287780 (VCV000287780.6), dbSNP rs886043726, ClinGen allele CA10605869.

ClinVar aggregate classification (germline): Uncertain significance. Review status: criteria provided, multiple submitters, no conflicts (2 of 4 stars). 2 submissions from 2 submitters: Uncertain significance (2). Last evaluated 2026-07-30.

Conditions:
ATP8B1-related disorder. Also called: ATP8B1-related condition; ATP8B1-related disorders.

Allele frequency attached by ClinVar (database versions not stated): gnomAD exomes below 0.00001; TOPMed 0.00002.
gnomAD v4.1: 1 of 1,614,098 alleles (0.000062%); highest among the groups gnomAD compares: African/African-American, 0.0013%; no homozygotes.

Submissions (2):

PreventionGenetics, part of Exact Sciences
Classification: Uncertain significance for ATP8B1-related condition. Last evaluated: 2026-07-30. Review status: criteria provided, single submitter. Criteria: ACMG Guidelines, 2015. Collection method: clinical testing. Allele origin: germline.
Comment: The ATP8B1 c.1216G>A variant is predicted to result in the amino acid substitution p.Val406Ile. To our knowledge, this variant has not been reported in the literature. This variant is reported in 0.0062% of alleles in individuals of African descent in gnomAD. At this time, the clinical significance of this variant is uncertain due to the absence of conclusive functional and genetic evidence.

Eurofins Ntd Llc (ga)
Classification: Uncertain significance. Last evaluated: 2016-04-26. Review status: criteria provided, single submitter. Criteria: EGL Classification Definitions 2015. Collection method: clinical testing. Allele origin: germline. Observed: 1 variant allele, 1 heterozygote.